The following is an entry in ClinVar:

ClinVar aggregate classification (germline): Pathogenic (1 of 4 stars; one submission).

Submission:

Labcorp Genetics (formerly Invitae), Labcorp
Classification: Pathogenic. Last evaluated: 2024-01-16. Review status: criteria provided, single submitter. Criteria: Invitae Variant Classification Sherloc (09022015). Collection method: clinical testing. Allele origin: germline.
Comment: This sequence change creates a premature translational stop signal (p.Leu525Cysfs*5) in the HPS6 gene. While this is not anticipated to result in nonsense mediated decay, it is expected to disrupt the last 251 amino acid(s) of the HPS6 protein. This variant is present in population databases (no rsID available, gnomAD no frequency). This variant has not been reported in the literature in individuals affected with HPS6-related conditions. This variant disrupts a region of the HPS6 protein in which other variant(s) (p.Pro633Leufs*76) have been determined to be pathogenic (PMID: 27225848). This suggests that this is a clinically significant region of the protein, and that variants that disrupt it are likely to be disease-causing. For these reasons, this variant has been classified as Pathogenic.

Literature cited by the submitters: PubMed 27225848.

NM_024747.6(HPS6):c.1573del (p.Leu525fs)

Gene: HPS6 (HPS6 biogenesis of lysosomal organelles complex 2 subunit 3; plus strand). Cytogenetic location: 10q24.32.
Variant type: Deletion.
Coding change: c.1573del on transcript NM_024747.6 (MANE Select); coding-DNA position 1573, one base deleted (C; older notation c.1573delC).
Protein change: p.Leu525fs; shifts the reading frame from leucine 525.
Molecular consequence: frameshift variant.
Genome position (GRCh38, 1-based): chr10:102,067,047, C deleted; the last of 3 consecutive C bases (chr10:102,067,045-102,067,047); deleting any one gives the same sequence. VCF-style (leftmost placement, unchanged base first): chr10-102067044-GC-G. GRCh37 (hg19) VCF-style: chr10-103826801-GC-G.
Other names: short protein forms L525fs.
Identifiers: ClinVar variation 2831614 (VCV002831614.3), dbSNP rs1564899748, ClinGen allele CA595248910.